The following is an entry in ClinVar:

ClinVar aggregate classification (germline): Uncertain significance (1 of 4 stars; one submission).

Conditions:
Hereditary cancer-predisposing syndrome. Also called: Neoplastic Syndromes, Hereditary; Tumor predisposition; Hereditary neoplastic syndrome; Hereditary Cancer Syndrome. Identifiers: Orphanet 140162, MedGen C0027672, MeSH D009386, MONDO:0015356.

Submission:

Ambry Genetics
Classification: Uncertain significance for Hereditary cancer-predisposing syndrome. Last evaluated: 2023-11-15. Review status: criteria provided, single submitter. Criteria: Ambry Variant Classification Scheme 2023. Collection method: clinical testing. Allele origin: germline.
Comment: The p.L240V variant (also known as c.718C>G), located in coding exon 8 of the BRCA2 gene, results from a C to G substitution at nucleotide position 718. The leucine at codon 240 is replaced by valine, an amino acid with highly similar properties. This amino acid position is conserved. In addition, this alteration is predicted to be tolerated by in silico analysis. Since supporting evidence is limited at this time, the clinical significance of this alteration remains unclear.

NM_000059.4(BRCA2):c.718C>G (p.Leu240Val)

Gene: BRCA2 (BRCA2 DNA repair associated; plus strand). Cytogenetic location: 13q13.1.
Variant type: single nucleotide variant.
Coding change: c.718C>G on transcript NM_000059.4 (MANE Select); coding-DNA position 718, C replaced by G.
Protein change: p.Leu240Val; replaces leucine 240 with valine.
Molecular consequence: missense variant. On other transcripts: non-coding transcript variant (1).
Genome position (GRCh38, 1-based): chr13:32,330,955, C>G. VCF-style: chr13-32330955-C-G. GRCh37 (hg19) VCF-style: chr13-32905092-C-G.
Other names: c.718C>G, p.Leu240Val (NM_001406719.1, NM_001406720.1, NM_001406721.1); c.349C>G, p.Leu117Val (NM_001406722.1); short protein forms L117V, L240V.
Identifiers: ClinVar variation 3228238 (VCV003228238.1), dbSNP rs2137461447, ClinGen allele CA387759981.
Genomic context (GRCh38, chr13:32,330,955, plus strand): 5'-GATTTTAAACTATAATTTTTGCAGAATGTGAAAAGCTATTTTTCCAATCATGATGAAAGT[C>G]TGAAGAAAAATGATAGATTTATCGCTTCTGTGACAGACAGTGAAAACACAAATCAAAGAG-3'
Protein context (NP_000050.3, residues 230-250): KSYFSNHDES[Leu240Val]KKNDRFIASV